The following is an entry in ClinVar:

ClinVar aggregate classification (germline): Uncertain significance (1 of 4 stars; one submission).

Conditions:
Cardiovascular phenotype. Identifiers: MedGen CN230736.

Submission:

Ambry Genetics
Classification: Uncertain significance for Cardiovascular phenotype. Last evaluated: 2026-04-18. Review status: criteria provided, single submitter. Criteria: Ambry Variant Classification Scheme 2023. Collection method: clinical testing. Allele origin: germline.
Comment: The p.R269K variant (also known as c.806G>A), located in coding exon 2 of the GDF2 gene, results from a G to A substitution at nucleotide position 806. The arginine at codon 269 is replaced by lysine, an amino acid with highly similar properties. This amino acid position is conserved. Based on the available evidence, the clinical significance of this variant remains unclear.

NM_016204.4(GDF2):c.806G>A (p.Arg269Lys)

Gene: GDF2 (growth differentiation factor 2; plus strand). Cytogenetic location: 10q11.22.
Variant type: single nucleotide variant.
Coding change: c.806G>A on transcript NM_016204.4 (MANE Select); coding-DNA position 806, G replaced by A.
Protein change: p.Arg269Lys; replaces arginine 269 with lysine.
Molecular consequence: missense variant.
Genome position (GRCh38, 1-based): chr10:47,325,300, G>A. VCF-style: chr10-47325300-G-A. GRCh37 (hg19) VCF-style: chr10-48414062-C-T.
Other names: short protein forms R269K.
Identifiers: ClinVar variation 4857916 (VCV004857916.1).
Genomic context (GRCh38, chr10:47,325,300, plus strand): 5'-GAAACCTGCCCTTCTTTGTTGTCTTCTCCAATGACCACAGCAGTGGGACCAAGGAGACCA[G>A]GCTGGAGCTGAGGGAGATGATCAGCCATGAACAAGAGAGCGTGCTCAAGAAGCTGTCCAA-3'
Protein context (NP_057288.1, residues 259-279): NDHSSGTKET[Arg269Lys]LELREMISHE